The following is an entry in ClinVar:

NM_000179.3(MSH6):c.355T>G (p.Phe119Val)

Gene: MSH6 (mutS homolog 6; plus strand). Cytogenetic location: 2p16.3.
Variant type: single nucleotide variant.
Coding change: c.355T>G on transcript NM_000179.3 (MANE Select); coding-DNA position 355, T replaced by G.
Protein change: p.Phe119Val; replaces phenylalanine 119 with valine.
Molecular consequence: missense variant. On other transcripts: 5 prime UTR variant (2), intron variant (1).
Genome position (GRCh38, 1-based): chr2:47,791,021, T>G. VCF-style: chr2-47791021-T-G. GRCh37 (hg19) VCF-style: chr2-48018160-T-G.
Other names: c.-382T>G (NM_001281493.2); c.-548T>G (NM_001281494.2); c.237+7551T>G (NM_001281492.2); short protein forms F119V.
Identifiers: ClinVar variation 628101 (VCV000628101.9), dbSNP rs1558652032, ClinGen allele CA346736998.

ClinVar aggregate classification (germline): Uncertain significance. Review status: criteria provided, multiple submitters, no conflicts (2 of 4 stars). 3 submissions from 3 submitters: Uncertain significance (3). Last evaluated 2025-12-30.

Conditions:
Hereditary cancer-predisposing syndrome. Also called: Neoplastic Syndromes, Hereditary; Tumor predisposition; Hereditary neoplastic syndrome; Hereditary Cancer Syndrome. Identifiers: Orphanet 140162, MedGen C0027672, MeSH D009386, MONDO:0015356.
Hereditary nonpolyposis colorectal neoplasms. Identifiers: MedGen C0009405, MeSH D003123.

gnomAD v4.1: 5 of 1,614,242 alleles (0.00031%); highest among the groups gnomAD compares: Non-Finnish European, 0.00042%; no homozygotes.

Submissions (3):

Labcorp Genetics (formerly Invitae), Labcorp
Classification: Uncertain significance for Hereditary nonpolyposis colorectal neoplasms. Last evaluated: 2025-12-30. Review status: criteria provided, single submitter. Criteria: Invitae Variant Classification Sherloc (09022015). Collection method: clinical testing. Allele origin: germline.
Comment: This sequence change replaces phenylalanine, which is neutral and non-polar, with valine, which is neutral and non-polar, at codon 119 of the MSH6 protein (p.Phe119Val). This variant is not present in population databases (gnomAD no frequency). This variant has not been reported in the literature in individuals affected with MSH6-related conditions. ClinVar contains an entry for this variant (Variation ID: 628101). Invitae Evidence Modeling of protein sequence and biophysical properties (such as structural, functional, and spatial information, amino acid conservation, physicochemical variation, residue mobility, and thermodynamic stability) indicates that this missense variant is not expected to disrupt MSH6 protein function with a negative predictive value of 95%. In summary, the available evidence is currently insufficient to determine the role of this variant in disease. Therefore, it has been classified as a Variant of Uncertain Significance.

Ambry Genetics
Classification: Uncertain significance for Hereditary cancer-predisposing syndrome. Last evaluated: 2021-03-03. Review status: criteria provided, single submitter. Criteria: Ambry Variant Classification Scheme 2023. Collection method: clinical testing. Allele origin: germline.
Comment: The p.F119V variant (also known as c.355T>G), located in coding exon 2 of the MSH6 gene, results from a T to G substitution at nucleotide position 355. The phenylalanine at codon 119 is replaced by valine, an amino acid with highly similar properties. This amino acid position is not well conserved in available vertebrate species. In addition, this alteration is predicted to be tolerated by in silico analysis. Since supporting evidence is limited at this time, the clinical significance of this alteration remains unclear.

Color Diagnostics, LLC DBA Color Health
Classification: Uncertain significance for Hereditary cancer-predisposing syndrome. Last evaluated: 2018-10-05. Review status: criteria provided, single submitter. Criteria: ACMG Guidelines, 2015. Collection method: clinical testing. Allele origin: germline.